The following is an entry in ClinVar:

NM_145698.5(ACBD5):c.544G>A (p.Ala182Thr)

Gene: ACBD5 (acyl-CoA binding domain containing 5; minus strand). Cytogenetic location: 10p12.1.
Variant type: single nucleotide variant.
Coding change: c.544G>A on transcript NM_145698.5 (MANE Select); coding-DNA position 544, G replaced by A.
Protein change: p.Ala182Thr; replaces alanine 182 with threonine.
Molecular consequence: missense variant. On other transcripts: splice acceptor variant (2).
Genome position (GRCh38, 1-based): chr10:27,219,804, C>T on the plus strand (G>A on the coding strand, the complement: ACBD5 is on the minus strand). VCF-style: chr10-27219804-C-T. GRCh37 (hg19) VCF-style: chr10-27508733-C-T.
Other names: c.439G>A, p.Ala147Thr (NM_001042473.4, NM_001352577.2, NM_001352578.2 and 2 more transcripts); c.538G>A, p.Ala180Thr (NM_001271512.3, NM_001352587.1); c.217G>A, p.Ala73Thr (NM_001301251.2, NM_001301252.2, NM_001301253.2 and 3 more transcripts); c.598G>A, p.Ala200Thr (NM_001352568.1); c.577G>A, p.Ala193Thr (NM_001352569.1, NM_001352581.1); c.544G>A, p.Ala182Thr (NM_001352570.1, NM_001352588.1); c.571G>A, p.Ala191Thr (NM_001352571.1, NM_001352586.1); c.565G>A, p.Ala189Thr (NM_001352572.1); and 5 more; short protein forms A158T, A191T, A84T, A193T, A200T, A180T, A182T, A147T.
Identifiers: ClinVar variation 851766 (VCV000851766.6), dbSNP rs758037032, ClinGen allele CA5450892.

ClinVar aggregate classification (germline): Uncertain significance. Review status: criteria provided, multiple submitters, no conflicts (2 of 4 stars). 2 submissions from 2 submitters: Uncertain significance (2). Last evaluated 2024-02-05.

Conditions:
Inborn genetic diseases. Identifiers: MedGen C0950123, MeSH D030342.

Allele frequency attached by ClinVar (database versions not stated): ExAC 0.00002; gnomAD 0.00003; gnomAD exomes 0.00003; TOPMed 0.00006.
gnomAD v4.1: 24 of 1,613,982 alleles (0.0015%); highest among the groups gnomAD compares: East Asian, 0.053%; no homozygotes.

Submissions (2):

Ambry Genetics
Classification: Uncertain significance for Inborn genetic diseases. Last evaluated: 2024-02-05. Review status: criteria provided, single submitter. Criteria: Ambry Variant Classification Scheme 2023. Collection method: clinical testing. Allele origin: germline.

Labcorp Genetics (formerly Invitae), Labcorp
Classification: Uncertain significance. Last evaluated: 2022-10-04. Review status: criteria provided, single submitter. Criteria: Invitae Variant Classification Sherloc (09022015). Collection method: clinical testing. Allele origin: germline.
Comment: This sequence change replaces alanine, which is neutral and non-polar, with threonine, which is neutral and polar, at codon 182 of the ACBD5 protein (p.Ala182Thr). This variant is present in population databases (rs758037032, gnomAD 0.05%). This variant has not been reported in the literature in individuals affected with ACBD5-related conditions. ClinVar contains an entry for this variant (Variation ID: 851766). Advanced modeling of protein sequence and biophysical properties (such as structural, functional, and spatial information, amino acid conservation, physicochemical variation, residue mobility, and thermodynamic stability) performed at Invitae indicates that this missense variant is not expected to disrupt ACBD5 protein function. In summary, the available evidence is currently insufficient to determine the role of this variant in disease. Therefore, it has been classified as a Variant of Uncertain Significance.